The following is an entry in ClinVar:

NM_014484.5(MOCS3):c.346G>A (p.Val116Met)

Gene: MOCS3 (molybdenum cofactor synthesis 3; plus strand). Cytogenetic location: 20q13.13.
Variant type: single nucleotide variant.
Coding change: c.346G>A on transcript NM_014484.5 (MANE Select); coding-DNA position 346, G replaced by A.
Protein change: p.Val116Met; replaces valine 116 with methionine.
Molecular consequence: missense variant.
Genome position (GRCh38, 1-based): chr20:50,959,188, G>A. VCF-style: chr20-50959188-G-A. GRCh37 (hg19) VCF-style: chr20-49575725-G-A.
Other names: short protein forms V116M.
Identifiers: ClinVar variation 4754745 (VCV004754745.1).

ClinVar aggregate classification (germline): Uncertain significance (1 of 4 stars; one submission).

Submission:

Labcorp Genetics (formerly Invitae), Labcorp
Classification: Uncertain significance. Last evaluated: 2025-09-07. Review status: criteria provided, single submitter. Criteria: Invitae Variant Classification Sherloc (09022015). Collection method: clinical testing. Allele origin: germline.
Comment: This sequence change replaces valine, which is neutral and non-polar, with methionine, which is neutral and non-polar, at codon 116 of the MOCS3 protein (p.Val116Met). This variant is present in population databases (rs762267049, gnomAD 0.006%). This variant has not been reported in the literature in individuals affected with MOCS3-related conditions. An algorithm developed to predict the effect of missense changes on protein structure and function (PolyPhen-2) suggests that this variant is likely to be disruptive. In summary, the available evidence is currently insufficient to determine the role of this variant in disease. Therefore, it has been classified as a Variant of Uncertain Significance.